The following is an entry in ClinVar:

NM_001110556.2(FLNA):c.2122C>T (p.Arg708Trp)

Gene: FLNA (filamin A; minus strand). Cytogenetic location: Xq28.
Variant type: single nucleotide variant.
Coding change: c.2122C>T on transcript NM_001110556.2 (MANE Select); coding-DNA position 2122, C replaced by T.
Protein change: p.Arg708Trp; replaces arginine 708 with tryptophan.
Molecular consequence: missense variant.
Genome position (GRCh38, 1-based): chrX:154,364,273, G>A on the plus strand (C>T on the coding strand, the complement: FLNA is on the minus strand). VCF-style: chrX-154364273-G-A. GRCh37 (hg19) VCF-style: chrX-153592641-G-A.
Other names: c.2122C>T, p.Arg708Trp (NM_001456.4); short protein forms R708W.
Identifiers: ClinVar variation 587465 (VCV000587465.11), dbSNP rs782287086, ClinGen allele CA10561009.

ClinVar aggregate classification (germline): Conflicting classifications of pathogenicity. Review status: criteria provided, conflicting classifications (1 of 4 stars). 4 submissions from 3 submitters: Uncertain significance (2); Benign (1). 1 of the submissions does not count toward it. Last evaluated 2025-12-31.

Conditions:
FLNA-related disorder.
Heterotopia, periventricular, X-linked dominant (PVNH1). Also called: PERIVENTRICULAR NODULAR HETEROTOPIA 4; HETEROTOPIA, PERIVENTRICULAR, 1; PERIVENTRICULAR NODULAR HETEROTOPIA 1; X-linked periventricular heterotopia. Identifiers: Orphanet 2149, Orphanet 82004, MedGen C1848213, MONDO:0010233, OMIM 300049.
Melnick-Needles syndrome (MNS). Also called: Melnick-Needles Syndrome (FLNA-MNS); MELNICK-NEEDLES OSTEODYSPLASTY; OSTEODYSPLASTY OF MELNICK AND NEEDLES. Identifiers: Orphanet 2484, MedGen C0025237, MONDO:0010650, OMIM 309350.
Frontometaphyseal dysplasia (FMD1). Identifiers: Orphanet 1826, MedGen C0265293, MONDO:0015942.
Oto-palato-digital syndrome, type II (OPD2). Also called: Otopalatodigital Syndrome Type 2 (FLNA-OPD2); Otopalatodigital Syndrome, Type II; FACIOPALATOOSSEOUS SYNDROME; OPD II SYNDROME. Identifiers: Orphanet 669, Orphanet 90652, MedGen C1844696, MONDO:0010571, OMIM 304120.
FG syndrome 2 (FGS2). Identifiers: MedGen C1845902, MONDO:0010297, OMIM 300321.
Frontometaphyseal dysplasia 1 (FMD1). Also called: Frontometaphyseal Dysplasia (FLNA-FMD). Identifiers: Orphanet 1826, MedGen C4281559, MONDO:0024550, OMIM 305620.

Allele frequency attached by ClinVar (database versions not stated): gnomAD 0.00001; gnomAD exomes 0.00001 and 0.00002; ExAC 0.00002; TOPMed below 0.00001.
gnomAD v4.1: 10 of 1,209,165 alleles (0.00083%); highest among the groups gnomAD compares: East Asian, 0.003%; no homozygotes.

Submissions (4):

Labcorp Genetics (formerly Invitae), Labcorp
Classification: Benign for Oto-palato-digital syndrome, type II; Heterotopia, periventricular, X-linked dominant; Frontometaphyseal dysplasia; Melnick-Needles syndrome. Last evaluated: 2025-12-31. Review status: criteria provided, single submitter. Criteria: Invitae Variant Classification Sherloc (09022015). Collection method: clinical testing. Allele origin: germline.

Genomic Research Center, Shahid Beheshti University of Medical Sciences
Classification: Uncertain significance for Frontometaphyseal dysplasia. Last evaluated: 2018-08-07. Review status: criteria provided, single submitter. Criteria: ACMG Guidelines, 2015. Collection method: clinical testing. Allele origin: inherited. Affected: no. Observed: 1 variant allele.

Genomic Research Center, Shahid Beheshti University of Medical Sciences
Classification: Uncertain significance for FG syndrome 2. Last evaluated: 2018-08-07. Review status: criteria provided, single submitter. Criteria: ACMG Guidelines, 2015. Collection method: clinical testing. Allele origin: inherited. Affected: no. Observed: 1 variant allele.

PreventionGenetics, part of Exact Sciences
Classification: Uncertain significance for FLNA-related condition. Last evaluated: 2023-11-01. Review status: no assertion criteria provided. Collection method: clinical testing. Allele origin: germline. Not counted in ClinVar's aggregate classification.
Comment: The FLNA c.2122C>T variant is predicted to result in the amino acid substitution p.Arg708Trp. This variant has been reported hemizygous in a fetus with omphalocele (Chen et al. 2020. PubMed ID: 32502767, Table 3). It has been reported in only 3 of ~182,000 alleles (~0.002%) in the gnomAD public population database. At this time, the clinical significance of this variant is uncertain due to the absence of conclusive functional and genetic evidence.